The following is an entry in ClinVar:

NM_000548.5(TSC2):c.4103G>A (p.Gly1368Asp)

Gene: TSC2 (TSC complex subunit 2; plus strand). Cytogenetic location: 16p13.3.
Variant type: single nucleotide variant.
Coding change: c.4103G>A on transcript NM_000548.5 (MANE Select); coding-DNA position 4103, G replaced by A.
Protein change: p.Gly1368Asp; replaces glycine 1368 with aspartic acid.
Molecular consequence: missense variant.
Genome position (GRCh38, 1-based): chr16:2,084,325, G>A. VCF-style: chr16-2084325-G-A. GRCh37 (hg19) VCF-style: chr16-2134326-G-A.
Other names: c.3902G>A, p.Gly1301Asp (NM_001077183.3); c.4034G>A, p.Gly1345Asp (NM_001114382.3); c.3794G>A, p.Gly1265Asp (NM_001318827.2); c.3758G>A, p.Gly1253Asp (NM_001318829.2); c.3371G>A, p.Gly1124Asp (NM_001318831.2); c.3935G>A, p.Gly1312Asp (NM_001318832.2); c.3905G>A, p.Gly1302Asp (NM_001363528.2); c.3971G>A, p.Gly1324Asp (NM_001370404.1); and 1 more; short protein forms G1124D, G1368D, G1265D, G1301D, G1302D, G1324D, G1253D, G1312D.
Identifiers: ClinVar variation 824596 (VCV000824596.15), dbSNP rs1596415974, ClinGen allele CA394299488.

ClinVar aggregate classification (germline): Uncertain significance. Review status: criteria provided, multiple submitters, no conflicts (2 of 4 stars). 3 submissions from 3 submitters: Uncertain significance (3). Last evaluated 2025-11-19.

Conditions:
Tuberous sclerosis 2 (TSC2). Identifiers: Orphanet 805, MedGen C1860707, MONDO:0013199, OMIM 613254.
Hereditary cancer-predisposing syndrome. Also called: Neoplastic Syndromes, Hereditary; Hereditary Cancer Syndrome; Hereditary neoplastic syndrome; Tumor predisposition. Identifiers: Orphanet 140162, MedGen C0027672, MeSH D009386, MONDO:0015356.

gnomAD v4.1: 1 of 1,612,698 alleles (0.000062%); highest among the groups gnomAD compares: East Asian, 0.0022%; no homozygotes.

Submissions (3):

Labcorp Genetics (formerly Invitae), Labcorp
Classification: Uncertain significance for Tuberous sclerosis 2. Last evaluated: 2025-11-19. Review status: criteria provided, single submitter. Criteria: Invitae Variant Classification Sherloc (09022015). Collection method: clinical testing. Allele origin: germline.
Comment: This sequence change replaces glycine, which is neutral and non-polar, with aspartic acid, which is acidic and polar, at codon 1368 of the TSC2 protein (p.Gly1368Asp). This variant is not present in population databases (gnomAD no frequency). This variant has not been reported in the literature in individuals affected with TSC2-related conditions. ClinVar contains an entry for this variant (Variation ID: 824596). Invitae Evidence Modeling of protein sequence and biophysical properties (such as structural, functional, and spatial information, amino acid conservation, physicochemical variation, residue mobility, and thermodynamic stability) indicates that this missense variant is not expected to disrupt TSC2 protein function with a negative predictive value of 95%. In summary, the available evidence is currently insufficient to determine the role of this variant in disease. Therefore, it has been classified as a Variant of Uncertain Significance.

Ambry Genetics
Classification: Uncertain significance for Hereditary cancer-predisposing syndrome. Last evaluated: 2023-11-01. Review status: criteria provided, single submitter. Criteria: Ambry Variant Classification Scheme 2023. Collection method: clinical testing. Allele origin: germline.
Comment: The p.G1368D variant (also known as c.4103G>A), located in coding exon 33 of the TSC2 gene, results from a G to A substitution at nucleotide position 4103. The glycine at codon 1368 is replaced by aspartic acid, an amino acid with similar properties. This amino acid position is poorly conserved in available vertebrate species. In addition, the in silico prediction for this alteration is inconclusive. Since supporting evidence is limited at this time, the clinical significance of this alteration remains unclear.

Genome-Nilou Lab
Classification: Uncertain significance for Tuberous sclerosis 2. Last evaluated: 2021-11-07. Review status: criteria provided, single submitter. Criteria: ACMG Guidelines, 2015. Collection method: clinical testing. Allele origin: germline. Affected: no.